The following is an entry in ClinVar:

ClinVar aggregate classification (germline): Uncertain significance (1 of 4 stars; one submission).

Conditions:
PCNT-related disorder. Also called: PCNT-related condition.

gnomAD v4.1: 4 of 1,613,924 alleles (0.00025%); highest among the groups gnomAD compares: African/African-American, 0.004%; no homozygotes.

Submission:

PreventionGenetics, part of Exact Sciences
Classification: Uncertain significance for PCNT-related condition. Last evaluated: 2026-04-01. Review status: criteria provided, single submitter. Criteria: ACMG Guidelines, 2015. Collection method: clinical testing. Allele origin: germline.
Comment: The PCNT c.8588G>A variant is predicted to result in the amino acid substitution p.Arg2863Lys. To our knowledge, this variant has not been reported in the literature or in a large population database (gnomAD), indicating this variant is rare. At this time, the clinical significance of this variant is uncertain due to the absence of conclusive functional and genetic evidence.

NM_006031.6(PCNT):c.8588G>A (p.Arg2863Lys)

Gene: PCNT (pericentrin; plus strand). Cytogenetic location: 21q22.3.
Variant type: single nucleotide variant.
Coding change: c.8588G>A on transcript NM_006031.6 (MANE Select); coding-DNA position 8588, G replaced by A.
Protein change: p.Arg2863Lys; replaces arginine 2863 with lysine.
Molecular consequence: missense variant. On other transcripts: intron variant (1).
Genome position (GRCh38, 1-based): chr21:46,432,052, G>A. VCF-style: chr21-46432052-G-A. GRCh37 (hg19) VCF-style: chr21-47851966-G-A.
Other names: c.8160+74G>A (NM_001315529.2); short protein forms R2863K.
Identifiers: ClinVar variation 4990550 (VCV004990550.1).
Genomic context (GRCh38, chr21:46,432,052, plus strand): 5'-TGAAGTCGACGGTGGAAGCCCTGCACACCCAAAAACGAGAGCTGAGATGCTCTCTGGAGA[G>A]AGAGAGGGAGAAACCAGCGTGGTTGCAGGCAGAATTAGAGCAGTCACACCCACGGTTGAA-3'
Protein context (NP_006022.3, residues 2853-2873): QKRELRCSLE[Arg2863Lys]EREKPAWLQA